The following is an entry in ClinVar:

NM_173648.4(CCDC141):c.1512A>C (p.Leu504=)

Gene: CCDC141 (coiled-coil domain containing 141; minus strand). Cytogenetic location: 2q31.2.
Variant type: single nucleotide variant.
Coding change: c.1512A>C on transcript NM_173648.4 (MANE Select); coding-DNA position 1512, A replaced by C.
Protein change: p.Leu504=; no amino-acid change (leucine 504 retained).
Molecular consequence: synonymous variant.
Genome position (GRCh38, 1-based): chr2:178,886,767, T>G on the plus strand (A>C on the coding strand, the complement: CCDC141 is on the minus strand). VCF-style: chr2-178886767-T-G. GRCh37 (hg19) VCF-style: chr2-179751494-T-G.
Other names: c.1512A>C (NM_173648.3); c.1512A>C, p.Leu504= (NM_001316745.2).
Identifiers: ClinVar variation 1558920 (VCV001558920.10), dbSNP rs186331250, ClinGen allele CA2007249.

ClinVar aggregate classification (germline): Likely benign. Review status: criteria provided, single submitter (1 of 4 stars). 2 submissions from 2 submitters: Likely benign (1). 1 of the submissions does not count toward it. Last evaluated 2021-11-23.

Conditions:
CCDC141-related disorder. Also called: CCDC141-related condition.

Allele frequency attached by ClinVar (database versions not stated): gnomAD 0.00001 and 0.00005; gnomAD exomes 0.00004 and 0.00019; ExAC 0.00009; TOPMed 0.00009; 1000 Genomes Project 0.00080; 1000 Genomes Project 30x 0.00094.
gnomAD v4.1: 56 of 1,445,582 alleles (0.0039%); highest among the groups gnomAD compares: East Asian, 0.14%; no homozygotes.

Submissions (2):

Labcorp Genetics (formerly Invitae), Labcorp
Classification: Likely benign. Last evaluated: 2021-11-23. Review status: criteria provided, single submitter. Criteria: Invitae Variant Classification Sherloc (09022015). Collection method: clinical testing. Allele origin: germline.

PreventionGenetics, part of Exact Sciences
Classification: Likely benign for CCDC141-related condition. Last evaluated: 2019-12-17. Review status: no assertion criteria provided. Collection method: clinical testing. Allele origin: germline. Not counted in ClinVar's aggregate classification.
Comment: This variant is classified as likely benign based on ACMG/AMP sequence variant interpretation guidelines (Richards et al. 2015 PMID: 25741868, with internal and published modifications).